The following is an entry in ClinVar:

NM_000465.4(BARD1):c.1982G>A (p.Arg661Lys)

Gene: BARD1 (BRCA1 associated RING domain 1; minus strand). Cytogenetic location: 2q35.
Variant type: single nucleotide variant.
Coding change: c.1982G>A on transcript NM_000465.4 (MANE Select); coding-DNA position 1982, G replaced by A.
Protein change: p.Arg661Lys; replaces arginine 661 with lysine.
Molecular consequence: missense variant. On other transcripts: non-coding transcript variant (3).
Genome position (GRCh38, 1-based): chr2:214,730,430, C>T on the plus strand (G>A on the coding strand, the complement: BARD1 is on the minus strand). VCF-style: chr2-214730430-C-T. GRCh37 (hg19) VCF-style: chr2-215595154-C-T.
Other names: c.1925G>A, p.Arg642Lys (NM_001282543.2); c.629G>A, p.Arg210Lys (NM_001282545.2); c.572G>A, p.Arg191Lys (NM_001282548.2); c.443G>A, p.Arg148Lys (NM_001282549.2); short protein forms R148K, R191K, R210K, R642K, R661K.
Identifiers: ClinVar variation 1058321 (VCV001058321.10), dbSNP rs2105990473, ClinGen allele CA350451121.
Genomic context (GRCh38, chr2:214,730,430, plus strand): 5'-TCATAATAAGAACAATGAAAGTTGTATTAAAAGAAAAATACCAGCTGTTCTCTGTTGAGC[C>T]TGCTTCTGCGTGGACCTTCAGGAATTTCATACTTTTCTTCCTGTTCACATACTTTTCTTC-3'
Protein context (NP_000456.2, residues 651-671): YEIPEGPRRS[Arg661Lys]LNREQLLPKL

ClinVar aggregate classification (germline): Uncertain significance (1 of 4 stars; one submission).

Conditions:
Familial cancer of breast. Also called: Hereditary breast cancer; BREAST CANCER, FAMILIAL; hereditary breast carcinoma. Identifiers: Orphanet 227535, MedGen C0346153, MONDO:0016419, OMIM 114480. Disease mechanism: loss of function.

Submission:

Labcorp Genetics (formerly Invitae), Labcorp
Classification: Uncertain significance for Familial cancer of breast. Last evaluated: 2022-01-28. Review status: criteria provided, single submitter. Criteria: Invitae Variant Classification Sherloc (09022015). Collection method: clinical testing. Allele origin: germline.
Comment: In summary, the available evidence is currently insufficient to determine the role of this variant in disease. Therefore, it has been classified as a Variant of Uncertain Significance. Algorithms developed to predict the effect of missense changes on protein structure and function (SIFT, PolyPhen-2, Align-GVGD) all suggest that this variant is likely to be disruptive. ClinVar contains an entry for this variant (Variation ID: 1058321). This variant has not been reported in the literature in individuals affected with BARD1-related conditions. This variant is not present in population databases (gnomAD no frequency). This sequence change replaces arginine, which is basic and polar, with lysine, which is basic and polar, at codon 661 of the BARD1 protein (p.Arg661Lys).